The following is an entry in ClinVar:

NM_001365951.3(KIF1B):c.2990G>C (p.Ser997Thr)

Gene: KIF1B (kinesin family member 1B; plus strand). Cytogenetic location: 1p36.22.
Variant type: single nucleotide variant.
Coding change: c.2990G>C on transcript NM_001365951.3 (MANE Select); coding-DNA position 2990, G replaced by C.
Protein change: p.Ser997Thr; replaces serine 997 with threonine.
Molecular consequence: missense variant.
Genome position (GRCh38, 1-based): chr1:10,334,585, G>C. VCF-style: chr1-10334585-G-C. GRCh37 (hg19) VCF-style: chr1-10394643-G-C.
Other names: c.2990G>C, p.Ser997Thr (NM_001365952.1); c.2852G>C, p.Ser951Thr (NM_015074.3); short protein forms S997T, S951T.
Identifiers: ClinVar variation 4043030 (VCV004043030.1).

ClinVar aggregate classification (germline): Uncertain significance (1 of 4 stars; one submission).

gnomAD v4.1: 2 of 1,614,036 alleles (0.00012%); highest among the groups gnomAD compares: Admixed American, 0.0017%; no homozygotes.

Submission:

Ambry Genetics
Classification: Uncertain significance. Last evaluated: 2025-05-31. Review status: criteria provided, single submitter. Criteria: Ambry Variant Classification Scheme 2023. Collection method: clinical testing. Allele origin: germline.
Comment: The p.S951T variant (also known as c.2852G>C), located in coding exon 25 of the KIF1B gene, results from a G to C substitution at nucleotide position 2852. The serine at codon 951 is replaced by threonine, an amino acid with similar properties. This amino acid position is conserved. In addition, this alteration is predicted to be tolerated by in silico analysis. Based on the available evidence, the clinical significance of this variant remains unclear.